The following is an entry in ClinVar:

NM_001267550.2(TTN):c.45349+1G>T

Genes: TTN (titin; minus strand), LOC126806427 (BRD4-independent group 4 enhancer GRCh37_chr2:179485777-179486976; plus strand). Cytogenetic location: 2q31.2.
Variant type: single nucleotide variant.
Coding change: c.45349+1G>T on transcript NM_001267550.2 (MANE Select); the canonical splice donor site of the intron after coding-DNA position 45349, G replaced by T.
Molecular consequence: splice donor variant.
Genome position (GRCh38, 1-based): chr2:178,621,474, C>A on the plus strand (G>T on the coding strand, the complement: TTN is on the minus strand). VCF-style: chr2-178621474-C-A. GRCh37 (hg19) VCF-style: chr2-179486201-C-A.
Other names: c.18154+1G>T (NM_003319.4); c.18730+1G>T (NM_133437.4); c.18529+1G>T (NM_133432.3); c.37645+1G>T (NM_133378.4); c.40426+1G>T (NM_001256850.1).
Identifiers: ClinVar variation 2931834 (VCV002931834.3), dbSNP rs2154211977, ClinGen allele CA349635032.
Genomic context (GRCh38, chr2:178,621,474, plus strand): 5'-CTTTAAATCTAGCAAGTGTGAATTGTTAGAAATAAAAGATTATTCACTGTAGTTTTCATA[C>A]CATGTACTTTGACTTTGCCATCGGTTCGAGAGCTTGGGAGTCGACAGTTGTAGTTGCCAG-3'

ClinVar aggregate classification (germline): Likely pathogenic (1 of 4 stars; one submission).

Conditions:
Autosomal recessive limb-girdle muscular dystrophy type 2J (LGMDR10). Also called: Limb-girdle muscular dystrophy, type 2J; MUSCULAR DYSTROPHY, LIMB-GIRDLE, AUTOSOMAL RECESSIVE 10. Identifiers: Orphanet 140922, MedGen C1837342, MONDO:0012127, OMIM 608807.
Dilated cardiomyopathy 1G (CMD1G). Identifiers: Orphanet 154, MedGen C1858763, MONDO:0011400, OMIM 604145.

Allele frequency attached by ClinVar (database versions not stated): gnomAD exomes 0.00001.
gnomAD v4.1: 8 of 1,612,104 alleles (0.0005%); highest among the groups gnomAD compares: Non-Finnish European, 0.00059%; no homozygotes.

Submission:

Labcorp Genetics (formerly Invitae), Labcorp
Classification: Likely pathogenic for Dilated cardiomyopathy 1G; Autosomal recessive limb-girdle muscular dystrophy type 2J. Last evaluated: 2024-10-18. Review status: criteria provided, single submitter. Criteria: Invitae Variant Classification Sherloc (09022015). Collection method: clinical testing. Allele origin: germline.
Comment: This sequence change affects a donor splice site in intron 245 of the TTN gene. It is expected to disrupt RNA splicing and likely results in a truncated or disrupted TTN protein. This variant is not present in population databases (gnomAD no frequency). This variant has not been observed in the literature in individuals with autosomal recessive TTN-related conditions. This variant has been reported in individual(s) with autosomal dominant TTN-related conditions (PMID: 31317183, 35177847); however, the role of the variant in this condition is currently unclear. This variant is also known as c.18154+1G>T. Algorithms developed to predict the effect of sequence changes on RNA splicing suggest that this variant may disrupt the consensus splice site. This variant is located in the I band of TTN (PMID: 25589632). Truncating variants in this region have been reported in individuals affected with autosomal recessive centronuclear myopathy (PMID: 23975875, internal data). Truncating variants in this region have also been identified in individuals affected with autosomal dominant dilated cardiomyopathy and/or cardio-related conditions (PMID: 27869827, 32964742, internal data). In summary, the currently available evidence indicates that the variant is pathogenic, but additional data are needed to prove that conclusively. Therefore, this variant has been classified as Likely Pathogenic.

Literature cited by the submitters: PubMed 31317183; PubMed 35177847; PubMed 25589632; PubMed 23975875; PubMed 27869827; PubMed 32964742.